The following is an entry in ClinVar:

NM_005032.7(PLS3):c.794T>C (p.Met265Thr)

Gene: PLS3 (plastin 3; plus strand). Cytogenetic location: Xq23.
Variant type: single nucleotide variant.
Coding change: c.794T>C on transcript NM_005032.7 (MANE Select); coding-DNA position 794, T replaced by C.
Protein change: p.Met265Thr; replaces methionine 265 with threonine.
Molecular consequence: missense variant.
Genome position (GRCh38, 1-based): chrX:115,636,881, T>C. VCF-style: chrX-115636881-T-C. GRCh37 (hg19) VCF-style: chrX-114871193-T-C.
Other names: c.794T>C, p.Met265Thr (NM_001136025.5, NM_001440791.1, NM_001440792.1); c.713T>C, p.Met238Thr (NM_001172335.3); c.728T>C, p.Met243Thr (NM_001282337.2); c.659T>C, p.Met220Thr (NM_001282338.2); short protein forms M220T, M238T, M243T, M265T.
Identifiers: ClinVar variation 4749734 (VCV004749734.1).

ClinVar aggregate classification (germline): Uncertain significance (1 of 4 stars; one submission).

gnomAD v4.1: 12 of 1,204,014 alleles (0.001%); highest among the groups gnomAD compares: African/African-American, 0.0035%; no homozygotes.

Submission:

Labcorp Genetics (formerly Invitae), Labcorp
Classification: Uncertain significance. Last evaluated: 2025-08-11. Review status: criteria provided, single submitter. Criteria: Invitae Variant Classification Sherloc (09022015). Collection method: clinical testing. Allele origin: germline.
Comment: This sequence change replaces methionine, which is neutral and non-polar, with threonine, which is neutral and polar, at codon 265 of the PLS3 protein (p.Met265Thr). The frequency data for this variant in the population databases is considered unreliable, as metrics indicate poor data quality at this position in the gnomAD database. This variant has not been reported in the literature in individuals affected with PLS3-related conditions. Invitae Evidence Modeling of protein sequence and biophysical properties (such as structural, functional, and spatial information, amino acid conservation, physicochemical variation, residue mobility, and thermodynamic stability) indicates that this missense variant is expected to disrupt PLS3 protein function with a positive predictive value of 80%. In summary, the available evidence is currently insufficient to determine the role of this variant in disease. Therefore, it has been classified as a Variant of Uncertain Significance.